The following is an entry in ClinVar:

NM_000138.5(FBN1):c.1191dup (p.Arg398fs)

Gene: FBN1 (fibrillin 1; minus strand). Cytogenetic location: 15q21.1.
Variant type: Duplication.
Coding change: c.1191dup on transcript NM_000138.5 (MANE Select); coding-DNA position 1191, one base duplicated (G; older notation c.1191dupG).
Protein change: p.Arg398fs; shifts the reading frame from arginine 398.
Molecular consequence: frameshift variant.
Genome position (GRCh38, 1-based): chr15:48,516,319, C duplicated on the plus strand (G on the coding strand, the reverse complement: FBN1 is on the minus strand); the first of 3 consecutive C bases (chr15:48,516,319-48,516,321); duplicating any one gives the same sequence. VCF-style (leftmost placement, unchanged base first): chr15-48516318-T-TC. GRCh37 (hg19) VCF-style: chr15-48808515-T-TC.
Other names: c.1191dupG (NM_000138.4); short protein forms R398fs.
Identifiers: ClinVar variation 263912 (VCV000263912.5), dbSNP rs886038972, ClinGen allele CA10587858.

ClinVar aggregate classification (germline): Pathogenic (1 of 4 stars; one submission).

Conditions:
Familial thoracic aortic aneurysm and aortic dissection (TAAD). Also called: Thoracic aortic aneurysms and dissections. Identifiers: Orphanet 91387, MedGen C4707243, MONDO:0019625.

Submission:

Ambry Genetics
Classification: Pathogenic for Familial thoracic aortic aneurysm and aortic dissection. Last evaluated: 2015-02-16. Review status: criteria provided, single submitter. Criteria: Ambry Variant Classification Scheme 2023. Collection method: clinical testing. Allele origin: germline.
Comment: The c.1191dupG pathogenic mutation, located in coding exon 10 of the FBN1 gene, results from a duplication of G at nucleotide position 1191, causing a translational frameshift with a predicted alternate stop codon (p.G397Gfs*55). Since frameshifts are typically deleterious in nature, this alteration is interpreted as a disease-causing mutation (ACMG Recommendations for Standards for Interpretation and Reporting of Sequence Variations. Revision 2007. Genet Med. 2008;10:294).